The following is an entry in ClinVar:

NM_000702.4(ATP1A2):c.3025T>C (p.Tyr1009His)

Gene: ATP1A2 (ATPase Na+/K+ transporting subunit alpha 2; plus strand). Cytogenetic location: 1q23.2.
Variant type: single nucleotide variant.
Coding change: c.3025T>C on transcript NM_000702.4 (MANE Select); coding-DNA position 3025, T replaced by C.
Protein change: p.Tyr1009His; replaces tyrosine 1009 with histidine.
Molecular consequence: missense variant.
Genome position (GRCh38, 1-based): chr1:160,139,975, T>C. VCF-style: chr1-160139975-T-C. GRCh37 (hg19) VCF-style: chr1-160109765-T-C.
Other names: short protein forms Y1009H.
Identifiers: ClinVar variation 1059589 (VCV001059589.7), dbSNP rs747646476, ClinGen allele CA1194913.

ClinVar aggregate classification (germline): Uncertain significance (1 of 4 stars; one submission).

Conditions:
Familial hemiplegic migraine. Identifiers: MedGen C0338484, MONDO:0000700.

Allele frequency attached by ClinVar (database versions not stated): gnomAD 0.00001; gnomAD exomes 0.00001 and 0.00002; TOPMed 0.00001; ExAC 0.00002.
gnomAD v4.1: 10 of 1,613,732 alleles (0.00062%); highest among the groups gnomAD compares: Middle Eastern, 0.016%; no homozygotes.

Submission:

Labcorp Genetics (formerly Invitae), Labcorp
Classification: Uncertain significance for Familial hemiplegic migraine. Last evaluated: 2025-03-18. Review status: criteria provided, single submitter. Criteria: Invitae Variant Classification Sherloc (09022015). Collection method: clinical testing. Allele origin: germline.
Comment: This sequence change replaces tyrosine, which is neutral and polar, with histidine, which is basic and polar, at codon 1009 of the ATP1A2 protein (p.Tyr1009His). This variant is present in population databases (rs747646476, gnomAD 0.009%). This variant has not been reported in the literature in individuals affected with ATP1A2-related conditions. ClinVar contains an entry for this variant (Variation ID: 1059589). Invitae Evidence Modeling of protein sequence and biophysical properties (such as structural, functional, and spatial information, amino acid conservation, physicochemical variation, residue mobility, and thermodynamic stability) has been performed for this missense variant. However, the output from this modeling did not meet the statistical confidence thresholds required to predict the impact of this variant on ATP1A2 protein function. In summary, the available evidence is currently insufficient to determine the role of this variant in disease. Therefore, it has been classified as a Variant of Uncertain Significance.